The following is an entry in ClinVar:

ClinVar aggregate classification (germline): Uncertain significance (1 of 4 stars; one submission).

Submission:

Labcorp Genetics (formerly Invitae), Labcorp
Classification: Uncertain significance. Last evaluated: 2022-05-07. Review status: criteria provided, single submitter. Criteria: Invitae Variant Classification Sherloc (09022015). Collection method: clinical testing. Allele origin: germline.
Comment: In summary, the available evidence is currently insufficient to determine the role of this variant in disease. Therefore, it has been classified as a Variant of Uncertain Significance. Algorithms developed to predict the effect of missense changes on protein structure and function (SIFT, PolyPhen-2, Align-GVGD) all suggest that this variant is likely to be tolerated. This variant has not been reported in the literature in individuals affected with DIABLO-related conditions. This variant is not present in population databases (gnomAD no frequency). This sequence change replaces cysteine, which is neutral and slightly polar, with phenylalanine, which is neutral and non-polar, at codon 34 of the DIABLO protein (p.Cys34Phe).

NM_001371333.1(DIABLO):c.101G>T (p.Cys34Phe)

Gene: DIABLO (diablo IAP-binding mitochondrial protein; minus strand). Cytogenetic location: 12q24.31.
Variant type: single nucleotide variant.
Coding change: c.101G>T on transcript NM_001371333.1 (MANE Select); coding-DNA position 101, G replaced by T.
Protein change: p.Cys34Phe; replaces cysteine 34 with phenylalanine.
Molecular consequence: missense variant. On other transcripts: intron variant (4).
Genome position (GRCh38, 1-based): chr12:122,224,594, C>A on the plus strand (G>T on the coding strand, the complement: DIABLO is on the minus strand). VCF-style: chr12-122224594-C-A. GRCh37 (hg19) VCF-style: chr12-122709141-C-A.
Other names: c.101G>T, p.Cys34Phe (NM_001278342.1, NM_019887.6); c.-37+1371G>T (NM_001278303.1); c.24+51G>T (NM_001278302.1, NM_138930.3, NM_001278304.2); short protein forms C34F.
Identifiers: ClinVar variation 2135074 (VCV002135074.4), dbSNP rs2547143360, ClinGen allele CA387046064.